The following is an entry in ClinVar:

NM_001008537.3(NEXMIF):c.1477C>G (p.Leu493Val)

Gene: NEXMIF (neurite extension and migration factor; minus strand). Cytogenetic location: Xq13.3.
Variant type: single nucleotide variant.
Coding change: c.1477C>G on transcript NM_001008537.3 (MANE Select); coding-DNA position 1477, C replaced by G.
Protein change: p.Leu493Val; replaces leucine 493 with valine.
Molecular consequence: missense variant.
Genome position (GRCh38, 1-based): chrX:74,743,080, G>C on the plus strand (C>G on the coding strand, the complement: NEXMIF is on the minus strand). VCF-style: chrX-74743080-G-C. GRCh37 (hg19) VCF-style: chrX-73962915-G-C.
Other names: short protein forms L493V.
Identifiers: ClinVar variation 2108921 (VCV002108921.4), dbSNP rs1602212299, ClinGen allele CA413670415.

ClinVar aggregate classification (germline): Uncertain significance (1 of 4 stars; one submission).

Allele frequency attached by ClinVar (database versions not stated): gnomAD exomes below 0.00001.
gnomAD v4.1: 1 of 1,209,944 alleles (0.000083%); highest among the groups gnomAD compares: Non-Finnish European, 0.00011%; no homozygotes.

Submission:

Labcorp Genetics (formerly Invitae), Labcorp
Classification: Uncertain significance. Last evaluated: 2022-03-11. Review status: criteria provided, single submitter. Criteria: Invitae Variant Classification Sherloc (09022015). Collection method: clinical testing. Allele origin: germline.
Comment: This sequence change replaces leucine, which is neutral and non-polar, with valine, which is neutral and non-polar, at codon 493 of the NEXMIF protein (p.Leu493Val). This variant is not present in population databases (gnomAD no frequency). This variant has not been reported in the literature in individuals affected with NEXMIF-related conditions. Algorithms developed to predict the effect of missense changes on protein structure and function (SIFT, PolyPhen-2, Align-GVGD) all suggest that this variant is likely to be disruptive. In summary, the available evidence is currently insufficient to determine the role of this variant in disease. Therefore, it has been classified as a Variant of Uncertain Significance.